The following is an entry in ClinVar:

NM_006598.3(SLC12A7):c.2436G>A (p.Val812=)

Gene: SLC12A7 (solute carrier family 12 member 7; minus strand). Cytogenetic location: 5p15.33.
Variant type: single nucleotide variant.
Coding change: c.2436G>A on transcript NM_006598.3 (MANE Select); coding-DNA position 2436, G replaced by A.
Protein change: p.Val812=; no amino-acid change (valine 812 retained).
Molecular consequence: synonymous variant.
Genome position (GRCh38, 1-based): chr5:1,065,284, C>T on the plus strand (G>A on the coding strand, the complement: SLC12A7 is on the minus strand). VCF-style: chr5-1065284-C-T. GRCh37 (hg19) VCF-style: chr5-1065399-C-T.
Other names: NC_000005.9:g.1065399C>T.
Identifiers: ClinVar variation 1243357 (VCV001243357.4), dbSNP rs737154, ClinGen allele CA3181327.

ClinVar aggregate classification (germline): Benign. Review status: criteria provided, multiple submitters, no conflicts (2 of 4 stars). 2 submissions from 2 submitters: Benign (2). Last evaluated 2021-06-09.

Allele frequency attached by ClinVar (database versions not stated): ESP Exome Variant Server 0.50746; gnomAD exomes 0.51184 and 0.53567; gnomAD 0.51677 and 0.51711; TOPMed 0.52751; ExAC 0.53322; 1000 Genomes Project 0.55451; 1000 Genomes Project 30x 0.55465.

Submissions (3):

GeneDx
Classification: Benign. Last evaluated: 2021-06-09. Review status: criteria provided, single submitter. Criteria: GeneDx Variant Classification Process June 2021. Collection method: clinical testing. Allele origin: germline. Affected: yes.
Comment: This variant is associated with the following publications: (PMID: 29874175)

Breakthrough Genomics
Classification: Benign. Review status: criteria provided, single submitter. Criteria: ACMG Guidelines, 2015. Collection method: not provided. Allele origin: germline. Inheritance: Unknown mechanism. Affected: yes.

Dr. Peter K. Rogan Lab, Western University
No classification provided (evidence only). Condition: Familial cancer of breast. Review status: no classification provided. Collection method: in vitro. Allele origin: not applicable. Functional consequence: retained intron. Not counted in ClinVar's aggregate classification.